The following is an entry in ClinVar:

ClinVar aggregate classification (germline): Uncertain significance (1 of 4 stars; one submission).

Conditions:
Hypertrophic cardiomyopathy 26. Also called: Cardiomyopathy, familial hypertrophic, 26. Identifiers: Orphanet 75249, MedGen C4310749, MONDO:0014883, OMIM 617047.
Myofibrillar myopathy 5. Also called: Filaminopathy (type); FILAMINOPATHY, AUTOSOMAL DOMINANT. Identifiers: Orphanet 171445, MedGen C1836050, MONDO:0012289, OMIM 609524.
Distal myopathy with posterior leg and anterior hand involvement. Also called: WILLIAMS DISTAL MYOPATHY. Identifiers: Orphanet 63273, MedGen C3279722, MONDO:0013550, OMIM 614065.

Submission:

Labcorp Genetics (formerly Invitae), Labcorp
Classification: Uncertain significance for Distal myopathy with posterior leg and anterior hand involvement; Myofibrillar myopathy 5; Hypertrophic cardiomyopathy 26. Last evaluated: 2025-02-19. Review status: criteria provided, single submitter. Criteria: Invitae Variant Classification Sherloc (09022015). Collection method: clinical testing. Allele origin: germline.
Comment: This sequence change replaces glutamine, which is neutral and polar, with histidine, which is basic and polar, at codon 159 of the FLNC protein (p.Gln159His). This variant is not present in population databases (gnomAD no frequency). This variant has not been reported in the literature in individuals affected with FLNC-related conditions. Invitae Evidence Modeling of protein sequence and biophysical properties (such as structural, functional, and spatial information, amino acid conservation, physicochemical variation, residue mobility, and thermodynamic stability) has been performed for this missense variant. However, the output from this modeling did not meet the statistical confidence thresholds required to predict the impact of this variant on FLNC protein function. In summary, the available evidence is currently insufficient to determine the role of this variant in disease. Therefore, it has been classified as a Variant of Uncertain Significance.

NM_001458.5(FLNC):c.477G>T (p.Gln159His)

Gene: FLNC (filamin C; plus strand). Cytogenetic location: 7q32.1.
Variant type: single nucleotide variant.
Coding change: c.477G>T on transcript NM_001458.5 (MANE Select); coding-DNA position 477, G replaced by T.
Protein change: p.Gln159His; replaces glutamine 159 with histidine.
Molecular consequence: missense variant.
Genome position (GRCh38, 1-based): chr7:128,835,450, G>T. VCF-style: chr7-128835450-G-T. GRCh37 (hg19) VCF-style: chr7-128475504-G-T.
Other names: c.477G>T, p.Gln159His (NM_001127487.2); short protein forms Q159H.
Identifiers: ClinVar variation 4812395 (VCV004812395.1).